The following is an entry in ClinVar:

NM_000264.5(PTCH1):c.2029ACC[3] (p.Thr678_Ala679insThr)

Genes: PTCH1 (patched 1; minus strand), LOC100507346 (uncharacterized LOC100507346; plus strand). Cytogenetic location: 9q22.32.
Variant type: Microsatellite.
Coding change: c.2029ACC[3] on transcript NM_000264.5 (MANE Select); three copies in a row of the 3-base unit ACC starting at c.2029; the reference has two copies in a row; one copy, 3 bases duplicated; also written c.2032_2034dup.
Protein change: p.Thr678_Ala679insThr.
Molecular consequence: non-coding transcript variant (on NR_038982.1). On other transcripts: inframe indel (2).
Genome position (GRCh38, 1-based): chr9:95,468,967-95,468,969, GGT duplicated on the plus strand (ACC on the coding strand, the reverse complement: PTCH1 is on the minus strand); duplicating any 3 consecutive bases within chr9:95,468,967-95,468,973 gives the same sequence; the position shown is the placement nearest the transcript's 3' end. VCF-style (leftmost placement, unchanged base first): chr9-95468966-C-CGGT. GRCh37 (hg19) VCF-style: chr9-98231248-C-CGGT.
Other names: c.2028_2030CAC[3], p.Thr678_Ala679insThr (NM_000264.3); c.1831ACC[3], p.Thr612_Ala613insThr (NM_001083602.3); c.2026ACC[3], p.Thr677_Ala678insThr (NM_001083603.3); c.1576ACC[3], p.Thr527_Ala528insThr (NM_001083604.3, NM_001083605.3, NM_001083606.3 and 1 more transcripts); c.1873ACC[3], p.Thr626_Ala627insThr (NM_001354918.2); c.2032_2034dup (NM_000264.3).
Identifiers: ClinVar variation 3370791 (VCV003370791.1).
Genomic context (GRCh38, chr9:95,468,966, plus strand): 5'-AGCTGAGGGTGTCCTGTGTCACGGTGACGGGCTGCACAGAGATCTCGGAGCGCGGCTCAG[C>CGGT]GGTGGTGTAGTACACGTGCGTGTGGGGGTCGTACTCCGTGCGGAGCTGGACAGTGGACTG-3'

ClinVar aggregate classification (germline): Uncertain significance (1 of 4 stars; one submission).

Submission:

GeneDx
Classification: Uncertain significance. Last evaluated: 2024-03-13. Review status: criteria provided, single submitter. Criteria: GeneDx Variant Classification Process June 2021. Collection method: clinical testing. Allele origin: germline. Affected: yes.
Comment: In-frame duplication of 1 amino acid in a non-repeat region; Has not been previously published as pathogenic or benign to our knowledge; Not observed at significant frequency in large population cohorts (gnomAD); This variant is associated with the following publications: (PMID: 11331587)